The following is an entry in ClinVar:

NM_000424.4(KRT5):c.527A>G (p.Asn176Ser)

Gene: KRT5 (keratin 5; minus strand). Cytogenetic location: 12q13.13.
Variant type: single nucleotide variant.
Coding change: c.527A>G on transcript NM_000424.4 (MANE Select); coding-DNA position 527, A replaced by G.
Protein change: p.Asn176Ser; replaces asparagine 176 with serine.
Molecular consequence: missense variant.
Genome position (GRCh38, 1-based): chr12:52,519,770, T>C on the plus strand (A>G on the coding strand, the complement: KRT5 is on the minus strand). VCF-style: chr12-52519770-T-C. GRCh37 (hg19) VCF-style: chr12-52913554-T-C.
Other names: short protein forms N176S.
Identifiers: ClinVar variation 66253 (VCV000066253.6), dbSNP rs59092197, ClinGen allele CA216740.

ClinVar aggregate classification (germline): Pathogenic/Likely pathogenic. Review status: criteria provided, multiple submitters, no conflicts (2 of 4 stars). 4 submissions from 4 submitters: Pathogenic (2); Likely pathogenic (1). 1 of the submissions does not count toward it. Last evaluated 2024-05-13.

Conditions:
Epidermolysis bullosa simplex with mottled pigmentation (EBS2F). Also called: EPIDERMOLYSIS BULLOSA SIMPLEX 2F, WITH MOTTLED PIGMENTATION; SPECKLED HYPERPIGMENTATION WITH PUNCTATE PALMOPLANTAR KERATOSES AND CHILDHOOD BLISTERING. Identifiers: Orphanet 79397, MedGen C0432316, MONDO:0007556, OMIM 131960.

Submissions (4):

Labcorp Genetics (formerly Invitae), Labcorp
Classification: Pathogenic. Last evaluated: 2024-05-13. Review status: criteria provided, single submitter. Criteria: Invitae Variant Classification Sherloc (09022015). Collection method: clinical testing. Allele origin: germline.
Comment: This sequence change replaces asparagine, which is neutral and polar, with serine, which is neutral and polar, at codon 176 of the KRT5 protein (p.Asn176Ser). This variant is not present in population databases (gnomAD no frequency). This missense change has been observed in individual(s) with Dowling-Meara type epidermolysis bullosa simplex and/or epidermolysis bullosa simplex (PMID: 9036937, 9989794, 16882168, 27868258, 29932457, 31001817, 32351751). In at least one individual the variant was observed to be de novo. ClinVar contains an entry for this variant (Variation ID: 66253). Advanced modeling of protein sequence and biophysical properties (such as structural, functional, and spatial information, amino acid conservation, physicochemical variation, residue mobility, and thermodynamic stability) performed at Invitae indicates that this missense variant is expected to disrupt KRT5 protein function with a positive predictive value of 80%. For these reasons, this variant has been classified as Pathogenic.

3billion
Classification: Likely pathogenic for Epidermolysis bullosa simplex with mottled pigmentation. Last evaluated: 2023-02-23. Review status: criteria provided, single submitter. Criteria: ACMG Guidelines, 2015. Collection method: clinical testing. Allele origin: unknown. Affected: yes.
Comment: The variant is not observed in the gnomAD v2.1.1 dataset. The variant is located in a mutational hot spot and/or well-established functional domain in which established pathogenic variants have been reported. Missense changes are a common disease-causing mechanism. In silico tool predictions suggest damaging effect of the variant on gene or gene product (REVEL: 0.88; 3Cnet: 0.99). Same nucleotide change resulting in same amino acid change has been previously reported to be associated with KRT5-related disorder (PMID: 9036937). However, the evidence of pathogenicity is insufficient at this time. A different missense change at the same codon (p.Asn176Lys) has been reported to be associated with KRT5 related disorder (PMID: 31001817). Therefore, this variant is classified as Likely pathogenic according to the recommendation of ACMG/AMP guideline.

GeneDx
Classification: Pathogenic. Last evaluated: 2022-10-24. Review status: criteria provided, single submitter. Criteria: GeneDx Variant Classification Process June 2021. Collection method: clinical testing. Allele origin: germline. Affected: yes.
Comment: Located in the highly conserved helix initiation motif of the alpha-helical rod domain, which is intolerant to change; variants in this motif interfere with proper keratin intermediate filament assembly and function, resulting in skin fragility and/or hyperkeratosis (Chamcheu et al., 2011); Multiple pathogenic missense variants at this residue (p.(N176Y), p.(N176D), and p.(N176K)) have been reported in association with epidermolysis bullosa simplex at GeneDx and in published literature (Mariath et al., 2019); Not observed at significant frequency in large population cohorts (gnomAD); In silico analysis supports that this missense variant has a deleterious effect on protein structure/function; This variant is associated with the following publications: (PMID: 27868258, 9036937, 20199538, 16882168, 9989794, 29932457, 32351751, 33822359, 31001817, 30286183, 29242947, 21176769)

Epithelial Biology;  Institute of Medical Biology, Singapore
No classification provided. Review status: no classification provided. Collection method: not provided. Allele origin: not provided. Not counted in ClinVar's aggregate classification.

Literature cited by the submitters: PubMed 9036937 (cited by Labcorp Genetics (formerly Invitae), Labcorp and 3billion); PubMed 9989794 (cited by Labcorp Genetics (formerly Invitae), Labcorp); PubMed 16882168 (cited by Labcorp Genetics (formerly Invitae), Labcorp); PubMed 27868258 (cited by Labcorp Genetics (formerly Invitae), Labcorp); PubMed 29932457 (cited by Labcorp Genetics (formerly Invitae), Labcorp); PubMed 31001817 (cited by Labcorp Genetics (formerly Invitae), Labcorp and 3billion); PubMed 32351751 (cited by Labcorp Genetics (formerly Invitae), Labcorp).